The following is an entry in ClinVar:

ClinVar aggregate classification (germline): Likely benign. Review status: criteria provided, multiple submitters, no conflicts (2 of 4 stars). 3 submissions from 3 submitters: Likely benign (3). Last evaluated 2025-12-20.

Conditions:
Atrial fibrillation, familial, 7 (ATFB7). Identifiers: MedGen C2677106, MONDO:0012828, OMIM 612240.

Allele frequency attached by ClinVar (database versions not stated): gnomAD exomes 0.00006 and 0.00016; gnomAD 0.00010; ExAC 0.00012; TOPMed 0.00017; ESP Exome Variant Server 0.00023.

Submissions (3):

Labcorp Genetics (formerly Invitae), Labcorp
Classification: Likely benign for Atrial fibrillation, familial, 7. Last evaluated: 2025-12-20. Review status: criteria provided, single submitter. Criteria: Invitae Variant Classification Sherloc (09022015). Collection method: clinical testing. Allele origin: germline.

Blueprint Genetics
Classification: Likely benign. Last evaluated: 2023-09-26. Review status: criteria provided, single submitter. Criteria: ACMG Guidelines, 2015. Collection method: clinical testing. Allele origin: germline.

GeneDx
Classification: Likely benign. Last evaluated: 2019-02-19. Review status: criteria provided, single submitter. Criteria: GeneDx Variant Classification Process June 2021. Collection method: clinical testing. Allele origin: germline. Affected: yes.
Comment: This variant is associated with the following publications: (PMID: 24068186)

NM_002234.4(KCNA5):c.1596G>A (p.Pro532=)

Gene: KCNA5 (potassium voltage-gated channel subfamily A member 5; plus strand). Cytogenetic location: 12p13.32.
Variant type: single nucleotide variant.
Coding change: c.1596G>A on transcript NM_002234.4 (MANE Select); coding-DNA position 1596, G replaced by A.
Protein change: p.Pro532=; no amino-acid change (proline 532 retained).
Molecular consequence: synonymous variant.
Genome position (GRCh38, 1-based): chr12:5,045,743, G>A. VCF-style: chr12-5045743-G-A. GRCh37 (hg19) VCF-style: chr12-5154909-G-A.
Identifiers: ClinVar variation 1111462 (VCV001111462.12), dbSNP rs71582899, ClinGen allele CA6399899.